The following is an entry in ClinVar:

NM_018006.5(TRMU):c.552C>T (p.Ala184=)

Gene: TRMU (tRNA mitochondrial 2-thiouridylase; plus strand). Cytogenetic location: 22q13.31.
Variant type: single nucleotide variant.
Coding change: c.552C>T on transcript NM_018006.5 (MANE Select); coding-DNA position 552, C replaced by T.
Protein change: p.Ala184=; no amino-acid change (alanine 184 retained).
Molecular consequence: synonymous variant. On other transcripts: non-coding transcript variant (2).
Genome position (GRCh38, 1-based): chr22:46,350,364, C>T. VCF-style: chr22-46350364-C-T. GRCh37 (hg19) VCF-style: chr22-46746261-C-T.
Other names: p.A184A:GCC>GCT; c.210C>T, p.Ala70= (NM_001282782.2); c.132C>T, p.Ala44= (NM_001282783.2, NM_001282784.2); c.552C>T, p.Ala184= (NM_001282785.2).
Identifiers: ClinVar variation 137711 (VCV000137711.21), dbSNP rs35772382, ClinGen allele CA291374.
Genomic context (GRCh38, chr22:46,350,364, plus strand): 5'-CCAGGCAGCTGACAGCTTTAAAGACCAGACCTTCTTTCTCAGCCAGGTTTCCCAGGATGC[C>T]CTGAGGAGAACCATCTTCCCTCTGGGGGGATTAACGAAAGAGTTTGTAAAGAAAATCGCT-3'
Protein context (NP_060476.2, residues 174-194): TFFLSQVSQD[Ala184=]LRRTIFPLGG

ClinVar aggregate classification (germline): Benign. Review status: criteria provided, multiple submitters, no conflicts (2 of 4 stars). 6 submissions from 6 submitters: Benign (4). 2 of the submissions do not count toward it. Last evaluated 2026-02-02.

Conditions:
Acute infantile liver failure due to synthesis defect of mtDNA-encoded proteins. Also called: Liver failure acute infantile; TRMU Deficiency; LIVER FAILURE, INFANTILE, TRANSIENT. Identifiers: Orphanet 217371, MedGen C3278664, MONDO:0013111, OMIM 613070.

Allele frequency attached by ClinVar (database versions not stated): gnomAD 0.03164; TOPMed 0.03423; ESP Exome Variant Server 0.03714; 1000 Genomes Project 0.03994; 1000 Genomes Project 30x 0.04357.
gnomAD v4.1: 9,825 of 1,614,176 alleles (0.61%); highest among the groups gnomAD compares: African/African-American, 11%; 469 homozygotes.

Submissions (6):

Labcorp Genetics (formerly Invitae), Labcorp
Classification: Benign. Last evaluated: 2026-02-02. Review status: criteria provided, single submitter. Criteria: Invitae Variant Classification Sherloc (09022015). Collection method: clinical testing. Allele origin: germline.

Illumina Laboratory Services, Illumina
Classification: Benign for Acute infantile liver failure due to synthesis defect of mtDNA-encoded proteins. Last evaluated: 2018-01-13. Review status: criteria provided, single submitter. Criteria: ICSL Variant Classification Criteria 13 December 2019. Collection method: clinical testing. Allele origin: germline.
Comment: This variant was observed in the ICSL laboratory as part of a predisposition screen in an ostensibly healthy population. It had not been previously curated by ICSL or reported in the Human Gene Mutation Database (HGMD: prior to June 1st, 2018), and was therefore a candidate for classification through an automated scoring system. Utilizing variant allele frequency, disease prevalence and penetrance estimates, and inheritance mode, an automated score was calculated to assess if this variant is too frequent to cause the disease. Based on the score and internal cut-off values, a variant classified as benign is not then subjected to further curation. The score for this variant resulted in a classification of benign for this disease.

GeneDx
Classification: Benign. Last evaluated: 2014-02-09. Review status: criteria provided, single submitter. Criteria: GeneDx Variant Classification (06012015). Collection method: clinical testing. Allele origin: germline. Affected: yes.
Comment: This variant is considered likely benign or benign based on one or more of the following criteria: it is a conservative change, it occurs at a poorly conserved position in the protein, it is predicted to be benign by multiple in silico algorithms, and/or has population frequency not consistent with disease.

Breakthrough Genomics
Classification: Benign. Review status: criteria provided, single submitter. Criteria: ACMG Guidelines, 2015. Collection method: not provided. Allele origin: germline. Inheritance: Unknown mechanism. Affected: yes.

Natera, Inc.
Classification: Benign for Transient infantile liver failure. Last evaluated: 2020-09-16. Review status: no assertion criteria provided. Collection method: clinical testing. Allele origin: germline. Not counted in ClinVar's aggregate classification.

Mayo Clinic Laboratories, Mayo Clinic
Classification: Benign. Last evaluated: 2016-02-29. Review status: no assertion criteria provided. Collection method: clinical testing. Allele origin: unknown. Not counted in ClinVar's aggregate classification.